The following is an entry in ClinVar:

ClinVar aggregate classification (germline): Uncertain significance (1 of 4 stars; one submission).

Allele frequency attached by ClinVar (database versions not stated): gnomAD exomes below 0.00001.

Submission:

Labcorp Genetics (formerly Invitae), Labcorp
Classification: Uncertain significance. Last evaluated: 2022-07-25. Review status: criteria provided, single submitter. Criteria: Invitae Variant Classification Sherloc (09022015). Collection method: clinical testing. Allele origin: germline.
Comment: This variant has not been reported in the literature in individuals affected with ABCC6-related conditions. This variant is present in population databases (no rsID available, gnomAD 0.003%). This sequence change replaces threonine, which is neutral and polar, with alanine, which is neutral and non-polar, at codon 527 of the ABCC6 protein (p.Thr527Ala). ClinVar contains an entry for this variant (Variation ID: 1473793). In summary, the available evidence is currently insufficient to determine the role of this variant in disease. Therefore, it has been classified as a Variant of Uncertain Significance. Advanced modeling of protein sequence and biophysical properties (such as structural, functional, and spatial information, amino acid conservation, physicochemical variation, residue mobility, and thermodynamic stability) performed at Invitae indicates that this missense variant is not expected to disrupt ABCC6 protein function.

NM_001171.6(ABCC6):c.1579A>G (p.Thr527Ala)

Gene: ABCC6 (ATP binding cassette subfamily C member 6; minus strand). Cytogenetic location: 16p13.11.
Variant type: single nucleotide variant.
Coding change: c.1579A>G on transcript NM_001171.6 (MANE Select); coding-DNA position 1579, A replaced by G.
Protein change: p.Thr527Ala; replaces threonine 527 with alanine.
Molecular consequence: missense variant. On other transcripts: non-coding transcript variant (1).
Genome position (GRCh38, 1-based): chr16:16,190,220, T>C on the plus strand (A>G on the coding strand, the complement: ABCC6 is on the minus strand). VCF-style: chr16-16190220-T-C. GRCh37 (hg19) VCF-style: chr16-16284077-T-C.
Other names: c.1237A>G, p.Thr413Ala (NM_001351800.1); short protein forms T413A, T527A.
Identifiers: ClinVar variation 1473793 (VCV001473793.8), dbSNP rs1291272925, ClinGen allele CA394889634.
Genomic context (GRCh38, chr16:16,190,220, plus strand): 5'-TCACCAGAAATGTAGACACTTGGAAGGACACCAGCGACACAGAGAAGAGGAGGCCGGAGG[T>C]CCGCAAGGCGCCCAGCTCCTGGCCTCGGATGCCCAGGACTCTGTCCAGAAAGGCTCCCTC-3'
Protein context (NP_001162.5, residues 517-537): IRGQELGALR[Thr527Ala]SGLLFSVSLV